The following is an entry in ClinVar:

NM_000784.4(CYP27A1):c.506C>T (p.Ala169Val)

Gene: CYP27A1 (cytochrome P450 family 27 subfamily A member 1; plus strand). Cytogenetic location: 2q35.
Variant type: single nucleotide variant.
Coding change: c.506C>T on transcript NM_000784.4 (MANE Select); coding-DNA position 506, C replaced by T.
Protein change: p.Ala169Val; replaces alanine 169 with valine.
Molecular consequence: missense variant.
Genome position (GRCh38, 1-based): chr2:218,812,281, C>T. VCF-style: chr2-218812281-C-T. GRCh37 (hg19) VCF-style: chr2-219677004-C-T.
Other names: p.Ala169Val; short protein forms A169V.
Identifiers: ClinVar variation 586208 (VCV000586208.23), dbSNP rs59443548, ClinGen allele CA2112628.

ClinVar aggregate classification (germline): Benign/Likely benign. Review status: criteria provided, multiple submitters, no conflicts (2 of 4 stars). 10 submissions from 10 submitters: Benign (4); Likely benign (4). 2 of the submissions do not count toward it. Last evaluated 2026-02-03.

Conditions:
Cholestanol storage disease (CTX). Also called: Cerebrotendinous Xanthomatosis; CTX: Cerebrotendinous xanthomatosis; CEREBRAL CHOLESTERINOSIS. Identifiers: Orphanet 909, MedGen C0238052, MONDO:0008948, OMIM 213700.
Cardiovascular phenotype. Identifiers: MedGen CN230736.

Allele frequency attached by ClinVar (database versions not stated): 1000 Genomes Project 0.00719; TOPMed 0.00739; ESP Exome Variant Server 0.00823; 1000 Genomes Project 30x 0.00906.
gnomAD v4.1: 2,156 of 1,614,134 alleles (0.13%); highest among the groups gnomAD compares: African/African-American, 2.5%; 27 homozygotes.

Submissions (10):

Labcorp Genetics (formerly Invitae), Labcorp
Classification: Benign for Cholestanol storage disease. Last evaluated: 2026-02-03. Review status: criteria provided, single submitter. Criteria: Invitae Variant Classification Sherloc (09022015). Collection method: clinical testing. Allele origin: germline.

Mayo Clinic Laboratories, Mayo Clinic
Classification: Benign. Last evaluated: 2024-05-30. Review status: criteria provided, single submitter. Criteria: ACMG Guidelines, 2015. Collection method: clinical testing. Allele origin: germline. Observed: 9 variant alleles.
Comment: BA1, BP4

Ambry Genetics
Classification: Benign for Cardiovascular phenotype. Last evaluated: 2023-05-05. Review status: criteria provided, single submitter. Criteria: Ambry Variant Classification Scheme 2023. Collection method: clinical testing. Allele origin: germline.

Fulgent Genetics
Classification: Likely benign for Cholestanol storage disease. Last evaluated: 2021-10-11. Review status: criteria provided, single submitter. Criteria: ACMG Guidelines, 2015. Collection method: clinical testing. Allele origin: unknown.

GeneDx
Classification: Likely benign. Last evaluated: 2020-10-28. Review status: criteria provided, single submitter. Criteria: GeneDx Variant Classification Process June 2021. Collection method: clinical testing. Allele origin: germline. Affected: yes.

Athena Diagnostics
Classification: Benign. Last evaluated: 2018-05-15. Review status: criteria provided, single submitter. Criteria: Athena Diagnostics Criteria. Collection method: clinical testing. Allele origin: germline.

Illumina Laboratory Services, Illumina
Classification: Likely benign for Cholestanol storage disease. Last evaluated: 2017-04-27. Review status: criteria provided, single submitter. Criteria: ICSL Variant Classification Criteria 13 December 2019. Collection method: clinical testing. Allele origin: germline.
Comment: This variant was observed as part of a predisposition screen in an ostensibly healthy population. A literature search was performed for the gene, cDNA change, and amino acid change (where applicable). Publications were found based on this search. The evidence from the literature, in combination with allele frequency data from public databases where available, was sufficient to determine this variant is unlikely to cause disease. Therefore, this variant is classified as likely benign.

Breakthrough Genomics
Classification: Likely benign. Review status: criteria provided, single submitter. Criteria: ACMG Guidelines, 2015. Collection method: not provided. Allele origin: germline. Inheritance: Autosomal recessive inheritance. Affected: yes.

Clinical Genetics DNA and cytogenetics Diagnostics Lab, Erasmus MC, Erasmus Medical Center
Classification: Benign. Review status: no assertion criteria provided. Collection method: clinical testing. Allele origin: germline. Affected: yes. Study: VKGL Data-share Consensus. Not counted in ClinVar's aggregate classification.

Clinical Genetics, Academic Medical Center
Classification: Likely benign. Review status: no assertion criteria provided. Collection method: clinical testing. Allele origin: germline. Affected: yes. Study: VKGL Data-share Consensus. Not counted in ClinVar's aggregate classification.

Literature cited by the submitters: PubMed 21966169 (cited by Athena Diagnostics and Illumina Laboratory Services, Illumina).